The following is an entry in ClinVar:

ClinVar aggregate classification (germline): Uncertain significance (1 of 4 stars; one submission).

Conditions:
Neutropenia, severe congenital, 2, autosomal dominant. Identifiers: Orphanet 486, MedGen C2751288, MONDO:0013139, OMIM 613107.

Allele frequency attached by ClinVar (database versions not stated): gnomAD exomes below 0.00001.

Submission:

Labcorp Genetics (formerly Invitae), Labcorp
Classification: Uncertain significance for Neutropenia, severe congenital, 2, autosomal dominant. Last evaluated: 2024-01-10. Review status: criteria provided, single submitter. Criteria: Invitae Variant Classification Sherloc (09022015). Collection method: clinical testing. Allele origin: germline.
Comment: This sequence change replaces methionine, which is neutral and non-polar, with threonine, which is neutral and polar, at codon 288 of the GFI1 protein (p.Met288Thr). This variant is not present in population databases (gnomAD no frequency). This variant has not been reported in the literature in individuals affected with GFI1-related conditions. Advanced modeling of protein sequence and biophysical properties (such as structural, functional, and spatial information, amino acid conservation, physicochemical variation, residue mobility, and thermodynamic stability) performed at Invitae indicates that this missense variant is not expected to disrupt GFI1 protein function with a negative predictive value of 80%. In summary, the available evidence is currently insufficient to determine the role of this variant in disease. Therefore, it has been classified as a Variant of Uncertain Significance.

NM_005263.5(GFI1):c.863T>C (p.Met288Thr)

Gene: GFI1 (growth factor independent 1 transcriptional repressor; minus strand). Cytogenetic location: 1p22.1.
Variant type: single nucleotide variant.
Coding change: c.863T>C on transcript NM_005263.5 (MANE Select); coding-DNA position 863, T replaced by C.
Protein change: p.Met288Thr; replaces methionine 288 with threonine.
Molecular consequence: missense variant.
Genome position (GRCh38, 1-based): chr1:92,480,409, A>G on the plus strand (T>C on the coding strand, the complement: GFI1 is on the minus strand). VCF-style: chr1-92480409-A-G. GRCh37 (hg19) VCF-style: chr1-92945966-A-G.
Other names: c.863T>C, p.Met288Thr (NM_001127215.3, NM_001127216.3); short protein forms M288T.
Identifiers: ClinVar variation 2802236 (VCV002802236.3), dbSNP rs2524722490, ClinGen allele CA341148549.
Genomic context (GRCh38, chr1:92,480,409, plus strand): 5'-TGCGAGTGCACGGCTTTGTGCTGCTCCAGGCTCACCGCGTGCCCGAAGGTCTTGCCGCAC[A>G]TCTCGCAGGCAAAGGGTCTGGTACCGCTGTGGGACCTGCGCACGTGCACCTCGAGCCCGT-3'
Protein context (NP_005254.2, residues 278-298): HSGTRPFACE[Met288Thr]CGKTFGHAVS